The following is an entry in ClinVar:

NM_021813.4(BACH2):c.587C>T (p.Ala196Val)

Gene: BACH2 (BACH transcriptional regulator 2; minus strand). Cytogenetic location: 6q15.
Variant type: single nucleotide variant.
Coding change: c.587C>T on transcript NM_021813.4 (MANE Select); coding-DNA position 587, C replaced by T.
Protein change: p.Ala196Val; replaces alanine 196 with valine.
Molecular consequence: missense variant.
Genome position (GRCh38, 1-based): chr6:89,951,519, G>A on the plus strand (C>T on the coding strand, the complement: BACH2 is on the minus strand). VCF-style: chr6-89951519-G-A. GRCh37 (hg19) VCF-style: chr6-90661238-G-A.
Other names: c.587C>T, p.Ala196Val (NM_001170794.2); short protein forms A196V.
Identifiers: ClinVar variation 1978626 (VCV001978626.4), dbSNP rs2533567602, ClinGen allele CA365072678.
Genomic context (GRCh38, chr6:89,951,519, plus strand): 5'-GTGTCTGTGGGCACGTCAGGCTCGGGCAGCAGGGCTTCTTCCTTCTCTGCTACGGGGATG[G>A]CGGCGGCCTCAAAGCTGATGGGCTCTGGAAGCATCTGGTCCCTGGGGCAAGCCATCTTGG-3'
Protein context (NP_068585.1, residues 186-206): LPEPISFEAA[Ala196Val]IPVAEKEEAL

ClinVar aggregate classification (germline): Uncertain significance (1 of 4 stars; one submission).

Submission:

Labcorp Genetics (formerly Invitae), Labcorp
Classification: Uncertain significance. Last evaluated: 2022-04-13. Review status: criteria provided, single submitter. Criteria: Invitae Variant Classification Sherloc (09022015). Collection method: clinical testing. Allele origin: germline.
Comment: In summary, the available evidence is currently insufficient to determine the role of this variant in disease. Therefore, it has been classified as a Variant of Uncertain Significance. Algorithms developed to predict the effect of missense changes on protein structure and function (SIFT, PolyPhen-2, Align-GVGD) all suggest that this variant is likely to be tolerated. This variant has not been reported in the literature in individuals affected with BACH2-related conditions. This variant is not present in population databases (gnomAD no frequency). This sequence change replaces alanine, which is neutral and non-polar, with valine, which is neutral and non-polar, at codon 196 of the BACH2 protein (p.Ala196Val).